The following is an entry in ClinVar:

NM_000238.4(KCNH2):c.850_865del (p.Ser284fs)

Gene: KCNH2 (potassium voltage-gated channel subfamily H member 2; minus strand). Cytogenetic location: 7q36.1.
Variant type: Deletion.
Coding change: c.850_865del on transcript NM_000238.4 (MANE Select); coding-DNA positions 850 to 865, 16 bases deleted (TCGGCCGACGACATCG).
Protein change: p.Ser284fs; shifts the reading frame from serine 284.
Molecular consequence: frameshift variant. On other transcripts: non-coding transcript variant (1).
Genome position (GRCh38, 1-based): chr7:150,958,110-150,958,125, CGATGTCGTCGGCCGA deleted on the plus strand (TCGGCCGACGACATCG on the coding strand, the reverse complement: KCNH2 is on the minus strand); deleting any 16 consecutive bases within chr7:150,958,110-150,958,128 gives the same sequence; the c. name uses the placement nearest the transcript's 3' end. VCF-style (leftmost placement, unchanged base first): chr7-150958109-TCGATGTCGTCGGCCGA-T. GRCh37 (hg19) VCF-style: chr7-150655197-TCGATGTCGTCGGCCGA-T.
Other names: c.847_862del16, p.Ser284Argfs (NM_000238.3); c.562_577del, p.Ser188fs (NM_001406753.1, NM_001406756.1); c.673_688del, p.Ser225fs (NM_001406755.1); c.550_565del, p.Ser184fs (NM_001406757.1); c.850_865del, p.Ser284fs (NM_172056.3); short protein forms S184fs, S188fs, S225fs, S284fs.
Identifiers: ClinVar variation 3254536 (VCV003254536.1), dbSNP rs2486088606.

ClinVar aggregate classification (germline): Pathogenic (1 of 4 stars; one submission).

Conditions:
Long QT syndrome 2 (LQT2). Identifiers: Orphanet 101016, Orphanet 768, MedGen C3150943, MONDO:0013367, OMIM 613688.

Submission:

Victorian Clinical Genetics Services, Murdoch Childrens Research Institute
Classification: Pathogenic for Long QT syndrome 2. Last evaluated: 2023-07-17. Review status: criteria provided, single submitter. Criteria: ACMG Guidelines, 2015. Collection method: clinical testing. Allele origin: germline. Inheritance: Autosomal dominant inheritance. Affected: yes.
Comment: Based on the classification scheme VCGS_Germline_v1.3.4, this variant is classified as Pathogenic. Following criteria are met: 0103 - Dominant negative and loss of function are known mechanisms of disease in this gene and are associated with long QT syndrome 2 (MIM#613688). Gain of function is also a known mechanism associated with short QT syndrome 1 (MIM#609620) (OMIM; PMIDs: 10753933, 21777565). (I) 0107 - This gene is associated with autosomal dominant disease. (I) 0112 - The condition associated with this gene has incomplete penetrance (PMID: 20301308). (I) 0201 - Variant is predicted to cause nonsense-mediated decay (NMD) and loss of protein (premature termination codon is located at least 54 nucleotides upstream of the final exon-exon junction). (SP) 0251 - This variant is heterozygous. (I) 0301 - Variant is absent from gnomAD (both v2 and v3). (SP) 0701 - Other null variants comparable to the one identified in this case have very strong previous evidence for pathogenicity. There are many NMD-predicted variants classified as likely pathogenic or pathogenic (DECIPHER). (SP) 0803 - This variant has limited previous evidence of pathogenicity in an unrelated individual. This variant has been identified once in an individual with long QT syndrome (type not specified) and classified as likely pathogenic (PMID: 32893267). (SP) 0905 - No published segregation evidence has been identified for this variant. (I) 1007 - No published functional evidence has been identified for this variant. (I) 1208 - Inheritance information for this variant is not currently available in this individual. (I) Legend: (SP) - Supporting pathogenic, (I) - Information, (SB) - Supporting benign

Literature cited by the submitters: PubMed 10753933; PubMed 20301308; PubMed 21777565; PubMed 32893267.